The following is an entry in ClinVar:

NM_006060.6(IKZF1):c.10G>T (p.Asp4Tyr)

Gene: IKZF1 (IKAROS family zinc finger 1; plus strand). Cytogenetic location: 7p12.2.
Variant type: single nucleotide variant.
Coding change: c.10G>T on transcript NM_006060.6 (MANE Select); coding-DNA position 10, G replaced by T.
Protein change: p.Asp4Tyr; replaces aspartic acid 4 with tyrosine.
Molecular consequence: missense variant.
Genome position (GRCh38, 1-based): chr7:50,319,071, G>T. VCF-style: chr7-50319071-G-T. GRCh37 (hg19) VCF-style: chr7-50358667-G-T.
Other names: c.10G>T, p.Asp4Tyr (NM_001220765.3, NM_001220767.2, NM_001220768.2 and 14 more transcripts); short protein forms D4Y.
Identifiers: ClinVar variation 3688890 (VCV003688890.2).

ClinVar aggregate classification (germline): Uncertain significance (1 of 4 stars; one submission).

gnomAD v4.1: 1 of 1,613,552 alleles (0.000062%); highest among the groups gnomAD compares: Admixed American, 0.0017%; no homozygotes.

Submission:

Labcorp Genetics (formerly Invitae), Labcorp
Classification: Uncertain significance. Last evaluated: 2024-04-25. Review status: criteria provided, single submitter. Criteria: Invitae Variant Classification Sherloc (09022015). Collection method: clinical testing. Allele origin: germline.
Comment: This sequence change replaces aspartic acid, which is acidic and polar, with tyrosine, which is neutral and polar, at codon 4 of the IKZF1 protein (p.Asp4Tyr). This variant is not present in population databases (gnomAD no frequency). This variant has not been reported in the literature in individuals affected with IKZF1-related conditions. An algorithm developed to predict the effect of missense changes on protein structure and function (PolyPhen-2) suggests that this variant is likely to be disruptive. In summary, the available evidence is currently insufficient to determine the role of this variant in disease. Therefore, it has been classified as a Variant of Uncertain Significance.